The following is an entry in ClinVar:

NM_000179.3(MSH6):c.*2C>G

Gene: MSH6 (mutS homolog 6; plus strand). Cytogenetic location: 2p16.3.
Variant type: single nucleotide variant.
Coding change: c.*2C>G on transcript NM_000179.3 (MANE Select); 2 bases downstream of the stop codon, C replaced by G.
Molecular consequence: 3 prime UTR variant. On other transcripts: non-coding transcript variant (5).
Genome position (GRCh38, 1-based): chr2:47,806,862, C>G. VCF-style: chr2-47806862-C-G. GRCh37 (hg19) VCF-style: chr2-48034001-C-G.
Other names: c.*2C>G (NM_001281492.2, NM_001281493.2, NM_001281494.2 and 33 more transcripts); c.*106C>G (NM_001406800.1); c.*66C>G (NM_001406801.1, NM_001406802.1, NM_001406808.1 and 1 more transcripts).
Identifiers: ClinVar variation 3904134 (VCV003904134.1).

ClinVar aggregate classification (germline): Benign (1 of 4 stars; one submission).

Conditions:
Lynch syndrome 5 (LYNCH5). Also called: Colorectal cancer, hereditary nonpolyposis, type 5; Hereditary non-polyposis colorectal cancer, type 5. Identifiers: Orphanet 144, MedGen C1833477, MONDO:0013710, OMIM 614350. Disease mechanism: loss of function.

Submission:

Myriad Genetics, Inc.
Classification: Benign for Lynch syndrome 5. Last evaluated: 2025-01-09. Review status: criteria provided, single submitter. Criteria: Myriad Autosomal Dominant, Autosomal Recessive and X-Linked Classification Criteria (2023). Collection method: clinical testing. Allele origin: unknown.
Comment: This variant is considered benign. This variant occurs in the non-coding 3' untranslated region of the gene, and is not expected to impact protein function.